The following is an entry in ClinVar:

NM_000081.4(LYST):c.10247A>G (p.His3416Arg)

Gene: LYST (lysosomal trafficking regulator; minus strand). Cytogenetic location: 1q42.3.
Variant type: single nucleotide variant.
Coding change: c.10247A>G on transcript NM_000081.4 (MANE Select); coding-DNA position 10247, A replaced by G.
Protein change: p.His3416Arg; replaces histidine 3416 with arginine.
Molecular consequence: missense variant.
Genome position (GRCh38, 1-based): chr1:235,702,874, T>C on the plus strand (A>G on the coding strand, the complement: LYST is on the minus strand). VCF-style: chr1-235702874-T-C. GRCh37 (hg19) VCF-style: chr1-235866174-T-C.
Other names: p.His3416Arg; c.10247A>G, p.His3416Arg (NM_001301365.1); short protein forms H3416R.
Identifiers: ClinVar variation 4542345 (VCV004542345.1).

ClinVar aggregate classification (germline): Uncertain significance (1 of 4 stars; one submission).

Submission:

Mayo Clinic Laboratories, Mayo Clinic
Classification: Uncertain significance. Last evaluated: 2025-05-12. Review status: criteria provided, single submitter. Criteria: ACMG Guidelines, 2015. Collection method: clinical testing. Allele origin: germline. Observed: 1 variant allele.
Comment: BP4, PP2, PM2_supporting